The following is an entry in ClinVar:

NM_000038.6(APC):c.4365_4367del (p.Asn1455del)

Gene: APC (APC regulator of Wnt signaling pathway; plus strand). Cytogenetic location: 5q22.2.
Variant type: Deletion.
Coding change: c.4365_4367del on transcript NM_000038.6 (MANE Select); coding-DNA positions 4365 to 4367, 3 bases deleted (TAA; older notation c.4365_4367delTAA).
Protein change: p.Asn1455del; deletes asparagine 1455.
Molecular consequence: inframe deletion.
Genome position (GRCh38, 1-based): chr5:112,839,959-112,839,961, TAA deleted; deleting any 3 consecutive bases within chr5:112,839,957-112,839,961 gives the same sequence; the c. name uses the placement nearest the transcript's 3' end. VCF-style (leftmost placement, unchanged base first): chr5-112839956-AAAT-A. GRCh37 (hg19) VCF-style: chr5-112175653-AAAT-A.
Other names: c.4365_4367del, p.Asn1455del (NM_001127510.3, NM_001354895.2); c.4311_4313del, p.Asn1437del (NM_001127511.3); c.4419_4421del, p.Asn1473del (NM_001354896.2); c.4395_4397del, p.Asn1465del (NM_001354897.2); c.4290_4292del, p.Asn1430del (NM_001354898.2); c.4281_4283del, p.Asn1427del (NM_001354899.2); c.4242_4244del, p.Asn1414del (NM_001354900.2); c.4188_4190del, p.Asn1396del (NM_001354901.2); and 6 more; short protein forms N1172del, N1295del, N1329del, N1354del, N1364del, N1396del, N1414del, N1427del.
Identifiers: ClinVar variation 1052753 (VCV001052753.11), dbSNP rs2149912854, ClinGen allele CA2499217485.

ClinVar aggregate classification (germline): Uncertain significance. Review status: criteria provided, multiple submitters, no conflicts (2 of 4 stars). 2 submissions from 2 submitters: Uncertain significance (2). Last evaluated 2025-01-25.

Conditions:
Hereditary cancer-predisposing syndrome. Also called: Tumor predisposition; Hereditary neoplastic syndrome; Hereditary Cancer Syndrome; Neoplastic Syndromes, Hereditary. Identifiers: Orphanet 140162, MedGen C0027672, MeSH D009386, MONDO:0015356.
Familial adenomatous polyposis 1 (FAP1). Also called: POLYPOSIS, ADENOMATOUS INTESTINAL; FAMILIAL ADENOMATOUS POLYPOSIS 1, ATTENUATED. Identifiers: MedGen C2713442, MONDO:0021056, OMIM 175100. Disease mechanism: loss of function.

Submissions (2):

Ambry Genetics
Classification: Uncertain significance for Hereditary cancer-predisposing syndrome. Last evaluated: 2025-01-25. Review status: criteria provided, single submitter. Criteria: Ambry Variant Classification Scheme 2023. Collection method: clinical testing. Allele origin: germline.
Comment: The c.4365_4367delTAA variant (also known as p.N1455del) is located in coding exon 15 of the APC gene. This variant results from an in-frame TAA deletion at nucleotide positions 4365 to 4367. This results in the in-frame deletion of an asparagine at codon 1455. This amino acid position is not well conserved in available vertebrate species. In addition, this alteration is predicted to be neutral by in silico analysis (Choi Y et al. PLoS ONE. 2012; 7(10):e46688). Based on the available evidence, the clinical significance of this variant remains unclear.

Labcorp Genetics (formerly Invitae), Labcorp
Classification: Uncertain significance for Familial adenomatous polyposis 1. Last evaluated: 2022-09-01. Review status: criteria provided, single submitter. Criteria: Invitae Variant Classification Sherloc (09022015). Collection method: clinical testing. Allele origin: germline.
Comment: This variant is not present in population databases (gnomAD no frequency). This variant, c.4365_4367del, results in the deletion of 1 amino acid(s) of the APC protein (p.Asn1455del), but otherwise preserves the integrity of the reading frame. This variant has not been reported in the literature in individuals affected with APC-related conditions. ClinVar contains an entry for this variant (Variation ID: 1052753). Experimental studies and prediction algorithms are not available or were not evaluated, and the functional significance of this variant is currently unknown. In summary, the available evidence is currently insufficient to determine the role of this variant in disease. Therefore, it has been classified as a Variant of Uncertain Significance.